The following is an entry in ClinVar:

ClinVar aggregate classification (somatic clinical impact): Tier I - Strong (1 of 4 stars; one submission).
ClinVar aggregate classification (oncogenicity): Oncogenic (1 of 4 stars; one submission).

Conditions:
Diffuse pediatric-type high-grade glioma, H3-wildtype and IDH-wildtype. Identifiers: MedGen C5669918, MONDO:0858939.
Neoplasm. Also called: Neoplasms; Neoplasm (disease); tumor. Identifiers: MedGen C0027651, MeSH D009369, MONDO:0005070, HP:0002664.

Submissions (2):

Center for Genomic Medicine, Rigshospitalet, Copenhagen University Hospital
Classification: Oncogenic for Neoplasm. Last evaluated: 2025-03-04. Review status: criteria provided, single submitter. Criteria: ClinGen/CGC/VICC Guidelines for Oncogenicity, 2022. Collection method: clinical testing. Allele origin: somatic. Affected: yes.

Institute for Genomic Medicine (IGM) Clinical Laboratory, Nationwide Children's Hospital
Classification: Tier I - Strong for Diffuse pediatric-type high-grade glioma, H3-wildtype and IDH-wildtype. Assertion type: diagnostic. Clinical significance: supports diagnosis. Last evaluated: 2023-09-22. Review status: criteria provided, single submitter. Criteria: AMP/ASCO/CAP Guidelines, 2017. Collection method: clinical testing. Allele origin: somatic. Affected: yes.
Comment: Variant has Tier I (strong) clinical significance as a diagnostic inclusion criterion in diffuse pediatric-type high-grade glioma, H3-wildtype and IDH-wildtype, based on the following evidence: 1) Documented in one or more cancer databases (e.g., St. Jude Pecan, COSMIC, CIViC, OncoKB). 2) Appears in one or more well-established professional guidelines (e.g., World Health Organization [WHO]; National Comprehensive Cancer Network [NCCN]) as providing diagnostic, prognostic, or therapeutic information. 3) Information in the literature supports potential biologic effect of variant (PMIDs: 17376864, 26627007). 4) Diagnostic for a specific tumor type/classification based on well-powered studies with expert-level consensus (Evidence Level B; PMIDs: 28966033, 24705251, 29763623, 28912153, 35332262).

Literature cited by the submitters: PubMed 17376864 (cited by Center for Genomic Medicine, Rigshospitalet, Copenhagen University Hospital and Institute for Genomic Medicine (IGM) Clinical Laboratory, Nationwide Children's Hospital); PubMed 29533785 (cited by Center for Genomic Medicine, Rigshospitalet, Copenhagen University Hospital); PubMed 34779417 (cited by Center for Genomic Medicine, Rigshospitalet, Copenhagen University Hospital); PubMed 26627007 (cited by Institute for Genomic Medicine (IGM) Clinical Laboratory, Nationwide Children's Hospital); PubMed 28966033 (cited by Institute for Genomic Medicine (IGM) Clinical Laboratory, Nationwide Children's Hospital); PubMed 24705251 (cited by Institute for Genomic Medicine (IGM) Clinical Laboratory, Nationwide Children's Hospital); PubMed 29763623 (cited by Institute for Genomic Medicine (IGM) Clinical Laboratory, Nationwide Children's Hospital); PubMed 28912153 (cited by Institute for Genomic Medicine (IGM) Clinical Laboratory, Nationwide Children's Hospital); PubMed 35332262 (cited by Institute for Genomic Medicine (IGM) Clinical Laboratory, Nationwide Children's Hospital).

NM_006218.4(PIK3CA):c.3127A>G (p.Met1043Val)

Gene: PIK3CA (phosphatidylinositol-4,5-bisphosphate 3-kinase catalytic subunit alpha; plus strand). Cytogenetic location: 3q26.32.
Variant type: single nucleotide variant.
Coding change: c.3127A>G on transcript NM_006218.4 (MANE Select); coding-DNA position 3127, A replaced by G.
Protein change: p.Met1043Val; replaces methionine 1043 with valine.
Molecular consequence: missense variant.
Genome position (GRCh38, 1-based): chr3:179,234,284, A>G. VCF-style: chr3-179234284-A-G. GRCh37 (hg19) VCF-style: chr3-178952072-A-G.
Other names: short protein forms M1043V.
Identifiers: ClinVar variation 376485 (VCV000376485.4), dbSNP rs1057519936, ClinGen allele CA16602919.